The following is an entry in ClinVar:

ClinVar aggregate classification (germline): Uncertain significance (1 of 4 stars; one submission).

gnomAD v4.1: 1 of 1,613,462 alleles (0.000062%); highest among the groups gnomAD compares: Non-Finnish European, 0.000085%; no homozygotes.

Submission:

Labcorp Genetics (formerly Invitae), Labcorp
Classification: Uncertain significance. Last evaluated: 2022-01-31. Review status: criteria provided, single submitter. Criteria: Invitae Variant Classification Sherloc (09022015). Collection method: clinical testing. Allele origin: germline.
Comment: In summary, the available evidence is currently insufficient to determine the role of this variant in disease. Therefore, it has been classified as a Variant of Uncertain Significance. Algorithms developed to predict the effect of missense changes on protein structure and function are either unavailable or do not agree on the potential impact of this missense change (SIFT: "Deleterious"; PolyPhen-2: "Benign"; Align-GVGD: "Class C0"). This variant has not been reported in the literature in individuals affected with ITGA3-related conditions. This variant is not present in population databases (gnomAD no frequency). This sequence change replaces arginine, which is basic and polar, with glycine, which is neutral and non-polar, at codon 628 of the ITGA3 protein (p.Arg628Gly).

NM_002204.4(ITGA3):c.1882C>G (p.Arg628Gly)

Gene: ITGA3 (integrin subunit alpha 3; plus strand). Cytogenetic location: 17q21.33.
Variant type: single nucleotide variant.
Coding change: c.1882C>G on transcript NM_002204.4 (MANE Select); coding-DNA position 1882, C replaced by G.
Protein change: p.Arg628Gly; replaces arginine 628 with glycine.
Molecular consequence: missense variant.
Genome position (GRCh38, 1-based): chr17:50,076,641, C>G. VCF-style: chr17-50076641-C-G. GRCh37 (hg19) VCF-style: chr17-48154005-C-G.
Other names: short protein forms R628G.
Identifiers: ClinVar variation 2091135 (VCV002091135.2), dbSNP rs780234135, ClinGen allele CA400182986.
Genomic context (GRCh38, chr17:50,076,641, plus strand): 5'-CAGGTCCAGTTCCAGAAGGAGTGCGGGCCTGACAACAAGTGTGAGAGCAACTTGCAGATG[C>G]GGGCAGCCTTCGTGTCAGAGCAGCAGCAGAAGCTGAGCAGGTGGCTGTGGGCCGCCGGCC-3'
Protein context (NP_002195.1, residues 618-638): DNKCESNLQM[Arg628Gly]AAFVSEQQQK